The following continues an entry in ClinVar:

NM_000170.3(GLDC):c.1545G>C (p.Arg515Ser)

Gene: GLDC. ClinVar aggregate classification (germline): Pathogenic/Likely pathogenic. Pathogenic (13); Likely pathogenic (1).

Submissions 13 to 17 of 17:

Claritas Genomics
Classification: Pathogenic for Generalized epilepsy; Obesity. Last evaluated: 2016-11-28. Review status: criteria provided, single submitter. Criteria: ACMG Guidelines, 2015. Collection method: clinical testing. Allele origin: paternal. Affected: yes.
Comment: The c.1545G>C (p.Arg515Ser) missense variant in the GLDC gene is previously reported in the literature and is a recognized cause of nonketotic hyperglycinemia. Homozygous and compound heterozygous loss-of-function pathogenic variants in this gene are associated with nonketotic hyperglycinemia, also known as glycine encephalopathy. This variant has been observed at a high frequency among individuals with nonketotic hyperglycinemia and has been seen in both the homozygous and compound heterozygous state with other known pathogenic variants, including large exonic deletions. Functional studies have shown that the presence of this variant causes the protein to be unstable with no residual functional activity. This variant has not been observed in either 1000 Genomes or NHLBI Exome Sequencing Project datasets, but has been observed in ExAC at an allele frequency of 0.00015, with no homozygotes reported. This variant involves a weakly conserved nucleotide but highly conserved amino acid. PolyPhen-2, SIFT, and MutationTaster all predict this variant to be damaging. Therefore, based on the reports and functional evidence in the literature, this variant is classified as pathogenic.

Rady Children's Institute for Genomic Medicine, Rady Children's Hospital San Diego
Classification: Pathogenic for GLYCINE ENCEPHALOPATHY. Review status: criteria provided, single submitter. Criteria: ACMG Guidelines, 2015. Collection method: clinical testing. Allele origin: germline. Affected: yes.
Comment: This established pathogenic variant has been reported in individuals with glycine encephalopathy (nonketotic hyperglycinemia) (PMID: 17361008, 26179960, 11286506), and identified as a founder variant in the United Kingdom (PMID: 20301531, 27362913). Functional studies have shown that this variant leads to a protein with no measurable residual functional activity (PMID: 26179960). The c.1545G>C (p.Arg515Ser) variant is present in the heterozygous state in the gnomAD population database at a frequency of 0.0088% (25/282836) and is absent in the homozygous state. It affects a highly conserved amino acid and is predicted by multiple in silico tools to have a deleterious effect on protein function. Based on the available evidence, the c.1545G>C (p.Arg515Ser) variant is classified as Pathogenic.

Counsyl
Classification: Likely pathogenic for Glycine encephalopathy 1. Last evaluated: 2017-01-11. Review status: no assertion criteria provided. Collection method: clinical testing. Allele origin: unknown. Not counted in ClinVar's aggregate classification.

OMIM
Classification: Pathogenic for GLYCINE ENCEPHALOPATHY 1. Last evaluated: 2001-04-01. Review status: no assertion criteria provided. Collection method: literature only. Allele origin: germline. Not counted in ClinVar's aggregate classification.

GeneReviews
No classification provided. Condition: Glycine encephalopathy. Review status: no classification provided. Collection method: literature only. Allele origin: unknown. Not counted in ClinVar's aggregate classification.

Literature cited by the submitters: PubMed 10873393 (cited by 4 submitters); PubMed 11286506 (cited by 5 submitters); PubMed 12126939 (cited by Labcorp Genetics (formerly Invitae), Labcorp); PubMed 17361008 (cited by Labcorp Genetics (formerly Invitae), Labcorp and Illumina Laboratory Services, Illumina); PubMed 26179960 (cited by 3 submitters); PubMed 15670722 (cited by Illumina Laboratory Services, Illumina and Women's Health and Genetics/Laboratory Corporation of America, LabCorp); PubMed 27362913 (cited by Illumina Laboratory Services, Illumina); PubMed 15791207 (cited by Illumina Laboratory Services, Illumina); PubMed 20301531 (cited by GeneReviews); NCBI Bookshelf NBK1357 (cited by GeneReviews).